The following is an entry in ClinVar:

NM_000492.4(CFTR):c.3956C>A (p.Ala1319Glu)

Gene: CFTR (CF transmembrane conductance regulator; plus strand). Cytogenetic location: 7q31.2.
Variant type: single nucleotide variant.
Coding change: c.3956C>A on transcript NM_000492.4 (MANE Select); coding-DNA position 3956, C replaced by A.
Protein change: p.Ala1319Glu; replaces alanine 1319 with glutamic acid.
Molecular consequence: missense variant.
Genome position (GRCh38, 1-based): chr7:117,652,924, C>A. VCF-style: chr7-117652924-C-A. GRCh37 (hg19) VCF-style: chr7-117292978-C-A.
Other names: short protein forms A1319E.
Identifiers: ClinVar variation 1706075 (VCV001706075.4), dbSNP rs397508649, ClinGen allele CA327362.

ClinVar aggregate classification (germline): Uncertain significance. Review status: criteria provided, multiple submitters, no conflicts (2 of 4 stars). 2 submissions from 2 submitters: Uncertain significance (2). Last evaluated 2023-01-22.

Conditions:
Cystic fibrosis (CF). Also called: MUCOVISCIDOSIS. Identifiers: Orphanet 586, MedGen C0010674, MONDO:0009061, OMIM 219700. Disease mechanism: loss of function.

Submissions (2):

Labcorp Genetics (formerly Invitae), Labcorp
Classification: Uncertain significance for Cystic fibrosis. Last evaluated: 2023-01-22. Review status: criteria provided, single submitter. Criteria: Invitae Variant Classification Sherloc (09022015). Collection method: clinical testing. Allele origin: germline.
Comment: ClinVar contains an entry for this variant (Variation ID: 1706075). In summary, the available evidence is currently insufficient to determine the role of this variant in disease. Therefore, it has been classified as a Variant of Uncertain Significance. Advanced modeling of protein sequence and biophysical properties (such as structural, functional, and spatial information, amino acid conservation, physicochemical variation, residue mobility, and thermodynamic stability) performed at Invitae indicates that this missense variant is not expected to disrupt CFTR protein function. This missense change has been observed in individual(s) with cystic fibrosis (Invitae). This variant is not present in population databases (gnomAD no frequency). This sequence change replaces alanine, which is neutral and non-polar, with glutamic acid, which is acidic and polar, at codon 1319 of the CFTR protein (p.Ala1319Glu).

Institute of Human Genetics, University of Leipzig Medical Center
Classification: Uncertain significance for Cystic fibrosis. Last evaluated: 2022-09-05. Review status: criteria provided, single submitter. Criteria: ACMG Guidelines, 2015. Collection method: curation. Allele origin: unknown. Affected: yes. Observed: 1 variant allele.
Comment: The variant was classified in the context of a project re-classifying variants in the German Cystic Fibrosis Registry (Muko.e.V.). Criteria applied: PM2_SUP, PM3, PP3, PP4